The following is an entry in ClinVar:

NM_173791.5(PDZD8):c.2786A>G (p.Asn929Ser)

Gene: PDZD8 (PDZ domain containing 8; minus strand). Cytogenetic location: 10q25.3.
Variant type: single nucleotide variant.
Coding change: c.2786A>G on transcript NM_173791.5 (MANE Select); coding-DNA position 2786, A replaced by G.
Protein change: p.Asn929Ser; replaces asparagine 929 with serine.
Molecular consequence: missense variant.
Genome position (GRCh38, 1-based): chr10:117,283,947, T>C on the plus strand (A>G on the coding strand, the complement: PDZD8 is on the minus strand). VCF-style: chr10-117283947-T-C. GRCh37 (hg19) VCF-style: chr10-119043458-T-C.
Other names: short protein forms N929S.
Identifiers: ClinVar variation 3063702 (VCV003063702.1), dbSNP rs140922572, ClinGen allele CA5710819.
Genomic context (GRCh38, chr10:117,283,947, plus strand): 5'-CGCAAATTTAATAAACGAGAACTAGTATTGATAATATGCCTTGTCAAACCTGTTGTTTTA[T>C]TGACTGACTTGCTAGCTTCAGCATCAACACGAGGAGGCAGGCCTAAGAGGGTTTCCTGTC-3'
Protein context (NP_776152.1, residues 919-939): RVDAEASKSV[Asn929Ser]KTTGLTRHII

ClinVar aggregate classification (germline): Uncertain significance (1 of 4 stars; one submission).

gnomAD v4.1: 55 of 1,614,112 alleles (0.0034%); highest among the groups gnomAD compares: Admixed American, 0.042%; 1 homozygote.

Submission:

Women's Health and Genetics/Laboratory Corporation of America, LabCorp
Classification: Uncertain significance. Last evaluated: 2024-01-29. Review status: criteria provided, single submitter. Criteria: LabCorp Variant Classification Summary - May 2015. Collection method: clinical testing. Allele origin: germline.
Comment: Variant summary: PDZD8 c.2786A>G (p.Asn929Ser) results in a conservative amino acid change in the encoded protein sequence. Five of five in-silico tools predict a benign effect of the variant on protein function. The variant allele was found at a frequency of 0.00012 in 251346 control chromosomes in the gnomAD database, including 1 homozygotes. To our knowledge, no occurrence of c.2786A>G in individuals affected with Intellectual Developmental Disorder With Autism And Dysmorphic Facies and no experimental evidence demonstrating its impact on protein function have been reported. No submitters have cited clinical-significance assessments for this variant to ClinVar. Based on the evidence outlined above, the variant was classified as uncertain significance.